The following is an entry in ClinVar:

ClinVar aggregate classification (germline): Uncertain significance (1 of 4 stars; one submission).

Conditions:
Leber congenital amaurosis 7 (LCA7). Identifiers: Orphanet 65, MedGen C3151192, MONDO:0013449, OMIM 613829.
Cone-rod dystrophy 2 (CORD2). Also called: Cone-rod retinal dystrophy 2; CONE-ROD RETINAL DYSTROPHY. Identifiers: Orphanet 1872, MedGen C3489532, MONDO:0007362, OMIM 120970.

Allele frequency attached by ClinVar (database versions not stated): gnomAD 0.00001.

Submission:

Labcorp Genetics (formerly Invitae), Labcorp
Classification: Uncertain significance for Cone-rod dystrophy 2; Leber congenital amaurosis 7. Last evaluated: 2022-03-26. Review status: criteria provided, single submitter. Criteria: Invitae Variant Classification Sherloc (09022015). Collection method: clinical testing. Allele origin: germline.
Comment: This variant has not been reported in the literature in individuals affected with CRX-related conditions. In summary, the available evidence is currently insufficient to determine the role of this variant in disease. Therefore, it has been classified as a Variant of Uncertain Significance. Algorithms developed to predict the effect of missense changes on protein structure and function are either unavailable or do not agree on the potential impact of this missense change (SIFT: "Deleterious"; PolyPhen-2: "Benign"; Align-GVGD: "Class C65"). This variant is not present in population databases (gnomAD no frequency). This sequence change replaces proline, which is neutral and non-polar, with serine, which is neutral and polar, at codon 282 of the CRX protein (p.Pro282Ser).

NM_000554.6(CRX):c.844C>T (p.Pro282Ser)

Gene: CRX (cone-rod homeobox; plus strand). Cytogenetic location: 19q13.33.
Variant type: single nucleotide variant.
Coding change: c.844C>T on transcript NM_000554.6 (MANE Select); coding-DNA position 844, C replaced by T.
Protein change: p.Pro282Ser; replaces proline 282 with serine.
Molecular consequence: missense variant.
Genome position (GRCh38, 1-based): chr19:47,839,911, C>T. VCF-style: chr19-47839911-C-T. GRCh37 (hg19) VCF-style: chr19-48343168-C-T.
Other names: short protein forms P282S.
Identifiers: ClinVar variation 2117281 (VCV002117281.4), dbSNP rs745553387, ClinGen allele CA406631922.